The following is an entry in ClinVar:

NM_001378477.3(NYX):c.632A>G (p.Asn211Ser)

Gene: NYX (nyctalopin; plus strand). Cytogenetic location: Xp11.4.
Variant type: single nucleotide variant.
Coding change: c.632A>G on transcript NM_001378477.3 (MANE Select); coding-DNA position 632, A replaced by G.
Protein change: p.Asn211Ser; replaces asparagine 211 with serine.
Molecular consequence: missense variant.
Genome position (GRCh38, 1-based): chrX:41,474,100, A>G. VCF-style: chrX-41474100-A-G. GRCh37 (hg19) VCF-style: chrX-41333353-A-G.
Other names: c.632A>G, p.Asn211Ser (NM_022567.3); short protein forms N211S.
Identifiers: ClinVar variation 987279 (VCV000987279.6), dbSNP rs62637029, ClinGen allele CA412990950.

ClinVar aggregate classification (germline): Pathogenic/Likely pathogenic. Review status: criteria provided, multiple submitters, no conflicts (2 of 4 stars). 3 submissions from 3 submitters: Pathogenic (1); Likely pathogenic (2). Last evaluated 2023-10-30.

Conditions:
NYX-related disorder. Also called: NYX-related condition.

Allele frequency attached by ClinVar (database versions not stated): gnomAD exomes below 0.00001.
gnomAD v4.1: 1 of 1,103,751 alleles (0.000091%); highest among the groups gnomAD compares: Non-Finnish European, 0.00012%; no homozygotes.

Submissions (3):

Labcorp Genetics (formerly Invitae), Labcorp
Classification: Likely pathogenic. Last evaluated: 2023-10-30. Review status: criteria provided, single submitter. Criteria: Invitae Variant Classification Sherloc (09022015). Collection method: clinical testing. Allele origin: germline.
Comment: This sequence change replaces asparagine, which is neutral and polar, with serine, which is neutral and polar, at codon 216 of the NYX protein (p.Asn216Ser). This variant is not present in population databases (gnomAD no frequency). This missense change has been observed in individuals with congenital stationary night blindness (PMID: 11062471, 12552565, 19578023). ClinVar contains an entry for this variant (Variation ID: 987279). Advanced modeling of protein sequence and biophysical properties (such as structural, functional, and spatial information, amino acid conservation, physicochemical variation, residue mobility, and thermodynamic stability) performed at Invitae indicates that this missense variant is not expected to disrupt NYX protein function with a negative predictive value of 80%. This variant disrupts the p.Asn216 amino acid residue in NYX. Other variant(s) that disrupt this residue have been observed in individuals with NYX-related conditions (PMID: 33769208), which suggests that this may be a clinically significant amino acid residue. In summary, the currently available evidence indicates that the variant is pathogenic, but additional data are needed to prove that conclusively. Therefore, this variant has been classified as Likely Pathogenic.

Blueprint Genetics
Classification: Likely pathogenic for NYX-related disorders. Last evaluated: 2021-08-12. Review status: criteria provided, single submitter. Criteria: ACMG Guidelines, 2015. Collection method: clinical testing. Allele origin: germline. Affected: yes. Observed: 1 variant allele.

Institute of Medical Genetics and Applied Genomics, University Hospital Tübingen
Classification: Pathogenic. Last evaluated: 2020-10-23. Review status: criteria provided, single submitter. Criteria: ACMG Guidelines, 2015. Collection method: clinical testing. Allele origin: germline. Inheritance: X-linked recessive inheritance. Affected: yes.

Literature cited by the submitters: PubMed 11062471 (cited by Labcorp Genetics (formerly Invitae), Labcorp); PubMed 12552565 (cited by Labcorp Genetics (formerly Invitae), Labcorp); PubMed 19578023 (cited by Labcorp Genetics (formerly Invitae), Labcorp); PubMed 33769208 (cited by Labcorp Genetics (formerly Invitae), Labcorp).